The following is an entry in ClinVar:

ClinVar aggregate classification (germline): Uncertain significance (1 of 4 stars; one submission).

Conditions:
Hypertrophic cardiomyopathy 26. Also called: Cardiomyopathy, familial hypertrophic, 26. Identifiers: Orphanet 75249, MedGen C4310749, MONDO:0014883, OMIM 617047.
Myofibrillar myopathy 5. Also called: Filaminopathy (type); FILAMINOPATHY, AUTOSOMAL DOMINANT. Identifiers: Orphanet 171445, MedGen C1836050, MONDO:0012289, OMIM 609524.
Distal myopathy with posterior leg and anterior hand involvement. Also called: WILLIAMS DISTAL MYOPATHY. Identifiers: Orphanet 63273, MedGen C3279722, MONDO:0013550, OMIM 614065.

Submission:

Labcorp Genetics (formerly Invitae), Labcorp
Classification: Uncertain significance for Distal myopathy with posterior leg and anterior hand involvement; Myofibrillar myopathy 5; Hypertrophic cardiomyopathy 26. Last evaluated: 2025-11-26. Review status: criteria provided, single submitter. Criteria: Invitae Variant Classification Sherloc (09022015). Collection method: clinical testing. Allele origin: germline.
Comment: This sequence change replaces alanine, which is neutral and non-polar, with valine, which is neutral and non-polar, at codon 1138 of the FLNC protein (p.Ala1138Val). This variant is not present in population databases (gnomAD no frequency). This variant has not been reported in the literature in individuals affected with FLNC-related conditions. Invitae Evidence Modeling of protein sequence and biophysical properties (such as structural, functional, and spatial information, amino acid conservation, physicochemical variation, residue mobility, and thermodynamic stability) has been performed for this missense variant. However, the output from this modeling did not meet the statistical confidence thresholds required to predict the impact of this variant on FLNC protein function. In summary, the available evidence is currently insufficient to determine the role of this variant in disease. Therefore, it has been classified as a Variant of Uncertain Significance.

NM_001458.5(FLNC):c.3413C>T (p.Ala1138Val)

Gene: FLNC (filamin C; plus strand). Cytogenetic location: 7q32.1.
Variant type: single nucleotide variant.
Coding change: c.3413C>T on transcript NM_001458.5 (MANE Select); coding-DNA position 3413, C replaced by T.
Protein change: p.Ala1138Val; replaces alanine 1138 with valine.
Molecular consequence: missense variant.
Genome position (GRCh38, 1-based): chr7:128,844,878, C>T. VCF-style: chr7-128844878-C-T. GRCh37 (hg19) VCF-style: chr7-128484932-C-T.
Other names: c.3413C>T, p.Ala1138Val (NM_001127487.2); short protein forms A1138V.
Identifiers: ClinVar variation 4812600 (VCV004812600.1).